The following is an entry in ClinVar:

ClinVar aggregate classification (germline): Uncertain significance. Review status: criteria provided, multiple submitters, no conflicts (2 of 4 stars). 2 submissions from 2 submitters: Uncertain significance (2). Last evaluated 2024-07-28.

Conditions:
Joubert syndrome. Also called: CEREBELLOPARENCHYMAL DISORDER IV; JOUBERT-BOLTSHAUSER SYNDROME; Familial aplasia of the vermis. Identifiers: Orphanet 475, MedGen C5979921, MONDO:0018772.
Meckel-Gruber syndrome. Also called: DYSENCEPHALIA SPLANCHNOCYSTICA; GRUBER SYNDROME; Dysencephalia splachnocystica. Identifiers: Orphanet 564, MedGen C0265215, MONDO:0018921.

Allele frequency attached by ClinVar (database versions not stated): gnomAD 0.00001; TOPMed 0.00001.

Submissions (2):

Women's Health and Genetics/Laboratory Corporation of America, LabCorp
Classification: Uncertain significance. Last evaluated: 2024-07-28. Review status: criteria provided, single submitter. Criteria: LabCorp Variant Classification Summary - May 2015. Collection method: clinical testing. Allele origin: germline.

Labcorp Genetics (formerly Invitae), Labcorp
Classification: Uncertain significance for Joubert syndrome; Meckel-Gruber syndrome. Last evaluated: 2022-05-03. Review status: criteria provided, single submitter. Criteria: Invitae Variant Classification Sherloc (09022015). Collection method: clinical testing. Allele origin: germline.
Comment: This sequence change replaces threonine, which is neutral and polar, with serine, which is neutral and polar, at codon 446 of the TCTN1 protein (p.Thr446Ser). This variant is present in population databases (rs758597122, gnomAD 0.01%). This variant has not been reported in the literature in individuals affected with TCTN1-related conditions. Algorithms developed to predict the effect of missense changes on protein structure and function output the following: SIFT: "Tolerated"; PolyPhen-2: "Benign"; Align-GVGD: "Class C15". The serine amino acid residue is found in multiple mammalian species, which suggests that this missense change does not adversely affect protein function. Algorithms developed to predict the effect of sequence changes on RNA splicing suggest that this variant may disrupt the consensus splice site. In summary, the available evidence is currently insufficient to determine the role of this variant in disease. Therefore, it has been classified as a Variant of Uncertain Significance.

NM_001082538.3(TCTN1):c.1337C>G (p.Thr446Ser)

Gene: TCTN1 (tectonic family member 1; plus strand). Cytogenetic location: 12q24.11.
Variant type: single nucleotide variant.
Coding change: c.1337C>G on transcript NM_001082538.3 (MANE Select); coding-DNA position 1337, C replaced by G.
Protein change: p.Thr446Ser; replaces threonine 446 with serine.
Molecular consequence: missense variant. On other transcripts: non-coding transcript variant (1), splice acceptor variant (2).
Genome position (GRCh38, 1-based): chr12:110,644,972, C>G. VCF-style: chr12-110644972-C-G. GRCh37 (hg19) VCF-style: chr12-111082777-C-G.
Other names: c.1337C>G, p.Thr446Ser (NM_001082537.3); c.1169C>G, p.Thr390Ser (NM_001173975.3); c.803C>G, p.Thr268Ser (NM_001319681.2); c.1295C>G, p.Thr432Ser (NM_024549.6); c.1011-1C>G (NM_001173976.2); c.1191-1C>G (NM_001319680.2); short protein forms T390S, T268S, T432S, T446S.
Identifiers: ClinVar variation 1992174 (VCV001992174.2), dbSNP rs758597122, ClinGen allele CA6786877.